The following is an entry in ClinVar:

ClinVar aggregate classification (germline): Likely benign. Review status: criteria provided, multiple submitters, no conflicts (2 of 4 stars). 3 submissions from 3 submitters: Likely benign (3). Last evaluated 2026-06-01.

Conditions:
Inborn genetic diseases. Identifiers: MedGen C0950123, MeSH D030342.
Dyskeratosis congenita, autosomal dominant 6 (DKCA6). Identifiers: Orphanet 3322, MedGen C4225284, MONDO:0014690, OMIM 616553.

Allele frequency attached by ClinVar (database versions not stated): gnomAD 0.00001; gnomAD exomes 0.00002; ExAC 0.00003; 1000 Genomes Project 30x 0.00016; 1000 Genomes Project 0.00020.
gnomAD v4.1: 16 of 1,600,682 alleles (0.001%); highest among the groups gnomAD compares: East Asian, 0.033%; no homozygotes.

Submissions (3):

CeGaT Center for Human Genetics Tuebingen
Classification: Likely benign. Last evaluated: 2026-06-01. Review status: criteria provided, single submitter. Criteria: CeGaT Center For Human Genetics Tuebingen Variant Classification Criteria Version 2. Collection method: clinical testing. Allele origin: germline. Affected: yes. Observed: 1 variant allele.
Comment: ACD: BP4, BP7

Labcorp Genetics (formerly Invitae), Labcorp
Classification: Likely benign for Dyskeratosis congenita, autosomal dominant 6. Last evaluated: 2025-10-15. Review status: criteria provided, single submitter. Criteria: Invitae Variant Classification Sherloc (09022015). Collection method: clinical testing. Allele origin: germline.

Ambry Genetics
Classification: Likely benign for Inborn genetic diseases. Last evaluated: 2022-02-22. Review status: criteria provided, single submitter. Criteria: Ambry Variant Classification Scheme 2023. Collection method: clinical testing. Allele origin: germline.

NM_001082486.2(ACD):c.1056C>T (p.Ser352=)

Gene: ACD (ACD shelterin complex subunit and telomerase recruitment factor; minus strand). Cytogenetic location: 16q22.1.
Variant type: single nucleotide variant.
Coding change: c.1056C>T on transcript NM_001082486.2 (MANE Select); coding-DNA position 1056, C replaced by T.
Protein change: p.Ser352=; no amino-acid change (serine 352 retained).
Molecular consequence: synonymous variant.
Genome position (GRCh38, 1-based): chr16:67,658,136, G>A on the plus strand (C>T on the coding strand, the complement: ACD is on the minus strand). VCF-style: chr16-67658136-G-A. GRCh37 (hg19) VCF-style: chr16-67692039-G-A.
Other names: c.969C>T, p.Ser323= (NM_001410884.1); c.1047C>T, p.Ser349= (NM_022914.3).
Identifiers: ClinVar variation 1769742 (VCV001769742.7), dbSNP rs200227116, ClinGen allele CA8114450.
Genomic context (GRCh38, chr16:67,658,136, plus strand): 5'-GAACTCCAGGCTAGGTTTCTGGGGCCTGGTCACAAGAGCCTGGTGTGGACTGGGGACATG[G>A]CTACGGGGTGAGAGACTGGGAGTGCAGCTCTGGAGTGGGGAGCTGGGGGTACGGCTGGCG-3'
Protein context (NP_001075955.2, residues 342-362): QSCTPSLSPR[Ser352=]HVPSPHQALV